The following is an entry in ClinVar:

NC_000016.10:g.67660348C>A

Genes: ACD (ACD shelterin complex subunit and telomerase recruitment factor; minus strand), LOC130059224 (ATAC-STARR-seq lymphoblastoid silent region 7617; plus strand). Cytogenetic location: 16q22.1.
Variant type: single nucleotide variant.
Genome position: GRCh38 VCF-style: chr16-67660348-C-A. GRCh37 (hg19) VCF-style: chr16-67694251-C-A.
Other names: short protein forms G44V.
Identifiers: ClinVar variation 1416369 (VCV001416369.7), dbSNP rs756883228, ClinGen allele CA8114899.

ClinVar aggregate classification (germline): Uncertain significance. Review status: criteria provided, multiple submitters, no conflicts (2 of 4 stars). 2 submissions from 2 submitters: Uncertain significance (2). Last evaluated 2024-02-14.

Conditions:
Dyskeratosis congenita, autosomal dominant 6 (DKCA6). Identifiers: Orphanet 3322, MedGen C4225284, MONDO:0014690, OMIM 616553.
Inborn genetic diseases. Identifiers: MedGen C0950123, MeSH D030342.

Allele frequency attached by ClinVar (database versions not stated): gnomAD 0.00001; gnomAD exomes 0.00002; ExAC 0.00003; TOPMed 0.00001.

Submissions (2):

Labcorp Genetics (formerly Invitae), Labcorp
Classification: Uncertain significance for Dyskeratosis congenita, autosomal dominant 6. Last evaluated: 2024-02-14. Review status: criteria provided, single submitter. Criteria: Invitae Variant Classification Sherloc (09022015). Collection method: clinical testing. Allele origin: germline.
Comment: This sequence change replaces glycine, which is neutral and non-polar, with valine, which is neutral and non-polar, at codon 44 of the ACD protein (p.Gly44Val). The frequency data for this variant in the population databases is considered unreliable, as metrics indicate poor data quality at this position in the gnomAD database. This variant has not been reported in the literature in individuals affected with ACD-related conditions. ClinVar contains an entry for this variant (Variation ID: 1416369). Algorithms developed to predict the effect of missense changes on protein structure and function output the following: SIFT: "Not Available"; PolyPhen-2: "Benign"; Align-GVGD: "Not Available". The valine amino acid residue is found in multiple mammalian species, which suggests that this missense change does not adversely affect protein function. In summary, the available evidence is currently insufficient to determine the role of this variant in disease. Therefore, it has been classified as a Variant of Uncertain Significance.

Ambry Genetics
Classification: Uncertain significance for Inborn genetic diseases. Last evaluated: 2023-10-16. Review status: criteria provided, single submitter. Criteria: Ambry Variant Classification Scheme 2023. Collection method: clinical testing. Allele origin: germline.
Comment: The p.G44V variant (also known as c.131G>T), located in coding exon 1 of the ACD gene, results from a G to T substitution at nucleotide position 131. The glycine at codon 44 is replaced by valine, an amino acid with dissimilar properties. This amino acid position is conserved. In addition, this alteration is predicted to be tolerated by in silico analysis. Since supporting evidence is limited at this time, the clinical significance of this alteration remains unclear.